The following is an entry in ClinVar:

NM_006231.4(POLE):c.4053T>G (p.Val1351=)

Gene: POLE (DNA polymerase epsilon, catalytic subunit; minus strand). Cytogenetic location: 12q24.33.
Variant type: single nucleotide variant.
Coding change: c.4053T>G on transcript NM_006231.4 (MANE Select); coding-DNA position 4053, T replaced by G.
Protein change: p.Val1351=; no amino-acid change (valine 1351 retained).
Molecular consequence: synonymous variant.
Genome position (GRCh38, 1-based): chr12:132,649,025, A>C on the plus strand (T>G on the coding strand, the complement: POLE is on the minus strand). VCF-style: chr12-132649025-A-C. GRCh37 (hg19) VCF-style: chr12-133225611-A-C.
Other names: c.4053T>G (NM_006231.2).
Identifiers: ClinVar variation 1083933 (VCV001083933.39), dbSNP rs2138598991, ClinGen allele CA482729065.
Genomic context (GRCh38, chr12:132,649,025, plus strand): 5'-TCGCTGGTTCACGTAGAACACACGGGGGATGCTCAGCCTGATGCAGTGCAAGTCACTGCC[A>C]ACGAGCGCCCACAGCCTGAACAGGCCGGCCTGGCTGGTCTCGCTGATCTGAAAGGCCACA-3'
Protein context (NP_006222.2, residues 1341-1361): QAGLFRLWAL[Val1351=]GSDLHCIRLS

ClinVar aggregate classification (germline): Likely benign. Review status: criteria provided, multiple submitters, no conflicts (2 of 4 stars). 3 submissions from 3 submitters: Likely benign (3). Last evaluated 2023-01-29.

Conditions:
Hereditary cancer-predisposing syndrome. Also called: Neoplastic Syndromes, Hereditary; Tumor predisposition; Hereditary neoplastic syndrome; Hereditary Cancer Syndrome. Identifiers: Orphanet 140162, MedGen C0027672, MeSH D009386, MONDO:0015356.

Submissions (3):

Ambry Genetics
Classification: Likely benign for Hereditary cancer-predisposing syndrome. Last evaluated: 2023-01-29. Review status: criteria provided, single submitter. Criteria: Ambry Variant Classification Scheme 2023. Collection method: clinical testing. Allele origin: germline.

CeGaT Center for Human Genetics Tuebingen
Classification: Likely benign. Last evaluated: 2022-08-01. Review status: criteria provided, single submitter. Criteria: CeGaT Center For Human Genetics Tuebingen Variant Classification Criteria Version 2. Collection method: clinical testing. Allele origin: germline. Affected: yes. Observed: 1 variant allele.
Comment: POLE: PM2:Supporting, BP4, BP7

Labcorp Genetics (formerly Invitae), Labcorp
Classification: Likely benign. Last evaluated: 2021-12-11. Review status: criteria provided, single submitter. Criteria: Invitae Variant Classification Sherloc (09022015). Collection method: clinical testing. Allele origin: germline.